The following is an entry in ClinVar:

ClinVar aggregate classification (germline): Uncertain significance (1 of 4 stars; one submission).

Submission:

GeneDx
Classification: Uncertain significance. Last evaluated: 2023-12-07. Review status: criteria provided, single submitter. Criteria: GeneDx Variant Classification Process June 2021. Collection method: clinical testing. Allele origin: germline. Affected: yes.
Comment: Not observed at significant frequency in large population cohorts (gnomAD); In silico analysis suggests this variant may impact gene splicing. In the absence of RNA/functional studies, the actual effect of this sequence change is unknown.; In silico analysis supports that this missense variant does not alter protein structure/function; Has not been previously published as pathogenic or benign to our knowledge

NM_032861.4(SERAC1):c.272C>T (p.Ala91Val)

Gene: SERAC1 (serine active site containing 1; minus strand). Cytogenetic location: 6q25.3.
Variant type: single nucleotide variant.
Coding change: c.272C>T on transcript NM_032861.4 (MANE Select); coding-DNA position 272, C replaced by T.
Protein change: p.Ala91Val; replaces alanine 91 with valine.
Molecular consequence: missense variant. On other transcripts: non-coding transcript variant (1).
Genome position (GRCh38, 1-based): chr6:158,148,948, G>A on the plus strand (C>T on the coding strand, the complement: SERAC1 is on the minus strand). VCF-style: chr6-158148948-G-A. GRCh37 (hg19) VCF-style: chr6-158569980-G-A.
Other names: short protein forms A91V.
Identifiers: ClinVar variation 3365185 (VCV003365185.1).